The following is an entry in ClinVar:

NM_001372044.2(SHANK3):c.4271C>T (p.Pro1424Leu)

Gene: SHANK3 (SH3 and multiple ankyrin repeat domains 3; plus strand). Cytogenetic location: 22q13.33.
Variant type: single nucleotide variant.
Coding change: c.4271C>T on transcript NM_001372044.2 (MANE Select); coding-DNA position 4271, C replaced by T.
Protein change: p.Pro1424Leu; replaces proline 1424 with leucine.
Molecular consequence: missense variant.
Genome position (GRCh38, 1-based): chr22:50,721,879, C>T. VCF-style: chr22-50721879-C-T. GRCh37 (hg19) VCF-style: chr22-51160307-C-T.
Other names: c.4046C>T, p.Pro1349Leu (NM_033517.1); short protein forms P1349L, P1424L.
Identifiers: ClinVar variation 2634453 (VCV002634453.3), dbSNP rs377021506, ClinGen allele CA10326199.

ClinVar aggregate classification (germline): Uncertain significance (0 of 4 stars; one submission).

Conditions:
SHANK3-related disorder. Also called: SHANK3-related condition.

Allele frequency attached by ClinVar (database versions not stated): TOPMed below 0.00001; gnomAD exomes 0.00001; gnomAD 0.00002; ExAC 0.00006; ESP Exome Variant Server 0.00008.

Submission:

PreventionGenetics, part of Exact Sciences
Classification: Uncertain significance for SHANK3-related condition. Last evaluated: 2024-02-22. Review status: no assertion criteria provided. Collection method: clinical testing. Allele origin: germline.
Comment: The SHANK3 c.4046C>T variant is predicted to result in the amino acid substitution p.Pro1349Leu. To our knowledge, this variant has not been reported in the literature. This variant is reported in 0.0032% of alleles in individuals of European (Non-Finnish) descent in gnomAD. At this time, the clinical significance of this variant is uncertain due to the absence of conclusive functional and genetic evidence.